The following is an entry in ClinVar:

ClinVar aggregate classification (germline): Uncertain significance (1 of 4 stars; one submission).

Submission:

GeneDx
Classification: Uncertain significance. Last evaluated: 2024-06-06. Review status: criteria provided, single submitter. Criteria: GeneDx Variant Classification Process June 2021. Collection method: clinical testing. Allele origin: germline. Affected: yes.
Comment: Not observed at significant frequency in large population cohorts (gnomAD); Located in a region that tolerates variation and lacks pathogenic variants; Has not been previously published as pathogenic or benign to our knowledge

NM_007279.3(U2AF2):c.-5T>G

Gene: U2AF2 (U2 small nuclear RNA auxiliary factor 2; plus strand). Cytogenetic location: 19q13.42.
Variant type: single nucleotide variant.
Coding change: c.-5T>G on transcript NM_007279.3 (MANE Select); 5 bases upstream of the start codon, T replaced by G.
Molecular consequence: 5 prime UTR variant.
Genome position (GRCh38, 1-based): chr19:55,655,100, T>G. VCF-style: chr19-55655100-T-G. GRCh37 (hg19) VCF-style: chr19-56166466-T-G.
Other names: c.-5T>G (NM_001012478.2).
Identifiers: ClinVar variation 3384281 (VCV003384281.1).